The following is an entry in ClinVar:

ClinVar aggregate classification (germline): Uncertain significance. Review status: criteria provided, single submitter (1 of 4 stars). 2 submissions from 2 submitters: Uncertain significance (1). 1 of the submissions does not count toward it. Last evaluated 2021-03-31.

Conditions:
Autism spectrum disorder - epilepsy - arthrogryposis syndrome (AMRS). Identifiers: Orphanet 370943, MedGen C3809910, MONDO:0014248, OMIM 615553.

Allele frequency attached by ClinVar (database versions not stated): gnomAD 0.00001; gnomAD exomes 0.00001; TOPMed 0.00001.
gnomAD v4.1: 6 of 1,610,116 alleles (0.00037%); highest among the groups gnomAD compares: Admixed American, 0.0034%; no homozygotes.

Submissions (2):

Labcorp Genetics (formerly Invitae), Labcorp
Classification: Uncertain significance for Autism spectrum disorder - epilepsy - arthrogryposis syndrome. Last evaluated: 2021-03-31. Review status: criteria provided, single submitter. Criteria: Invitae Variant Classification Sherloc (09022015). Collection method: clinical testing. Allele origin: germline.
Comment: This sequence change falls in intron 2 of the SLC35A3 gene. It does not directly change the encoded amino acid sequence of the SLC35A3 protein, but it affects a nucleotide within the consensus splice site of the intron. This variant is not present in population databases (ExAC no frequency). This variant has not been reported in the literature in individuals with SLC35A3-related disease. Nucleotide substitutions within the consensus splice site are a relatively common cause of aberrant splicing (PMID: 17576681, 9536098). Algorithms developed to predict the effect of sequence changes on RNA splicing suggest that this variant may disrupt the consensus splice site, but this prediction has not been confirmed by published transcriptional studies. In summary, the available evidence is currently insufficient to determine the role of this variant in disease. Therefore, it has been classified as a Variant of Uncertain Significance.

Natera, Inc.
Classification: Uncertain significance for Arthrogryposis, mental retardation, and seizures. Last evaluated: 2019-11-11. Review status: no assertion criteria provided. Collection method: clinical testing. Allele origin: germline. Not counted in ClinVar's aggregate classification.

Literature cited by the submitters: PubMed 17576681 (cited by Labcorp Genetics (formerly Invitae), Labcorp); PubMed 9536098 (cited by Labcorp Genetics (formerly Invitae), Labcorp).

NM_012243.3(SLC35A3):c.187+5G>A

Gene: SLC35A3 (solute carrier family 35 member A3; plus strand). Cytogenetic location: 1p21.2.
Variant type: single nucleotide variant.
Coding change: c.187+5G>A on transcript NM_012243.3 (MANE Select); 5 bases into the intron after coding-DNA position 187, G replaced by A.
Molecular consequence: intron variant.
Genome position (GRCh38, 1-based): chr1:99,993,746, G>A. VCF-style: chr1-99993746-G-A. GRCh37 (hg19) VCF-style: chr1-100459302-G-A.
Other names: c.187+5G>A (NM_001271684.2); c.313+5G>A (NM_001271685.2).
Identifiers: ClinVar variation 541612 (VCV000541612.8), dbSNP rs1327580386, ClinGen allele CA524710371.